The following is an entry in ClinVar:

NM_020937.4(FANCM):c.6071_6076del (p.Arg2024_Tyr2025del)

Gene: FANCM (FA complementation group M; plus strand). Cytogenetic location: 14q21.2.
Variant type: Deletion.
Coding change: c.6071_6076del on transcript NM_020937.4 (MANE Select); coding-DNA positions 6071 to 6076, 6 bases deleted (GATATA; older notation c.6071_6076delGATATA).
Protein change: p.Arg2024_Tyr2025del.
Molecular consequence: inframe deletion.
Genome position (GRCh38, 1-based): chr14:45,199,932-45,199,937, GATATA deleted; deleting any 6 consecutive bases within chr14:45,199,928-45,199,937 gives the same sequence; the c. name uses the placement nearest the transcript's 3' end. VCF-style (leftmost placement, unchanged base first): chr14-45199927-CTATAGA-C. GRCh37 (hg19) VCF-style: chr14-45669130-CTATAGA-C.
Other names: c.5993_5998del, p.Arg1998_Tyr1999del (NM_001308133.2); c.6071_6076del (NM_020937.3).
Identifiers: ClinVar variation 1476547 (VCV001476547.7), dbSNP rs773456844, ClinGen allele CA7170123.
Genomic context (GRCh38, chr14:45,199,927, plus strand): 5'-CAGCTCACTTCAAGAAATCTCCATGTATGCACAAGTAACTCATCAGAAGGCTGAGGAGAT[CTATAGA>C]TATATTCACTATGTATTTGACATACAAATGTTACCAAATGATCTTAACCAAGATAGACTG-3'

ClinVar aggregate classification (germline): Uncertain significance. Review status: criteria provided, multiple submitters, no conflicts (2 of 4 stars). 2 submissions from 2 submitters: Uncertain significance (2). Last evaluated 2024-11-03.

Conditions:
Fanconi anemia (FA). Also called: Fanconi's anemia. Identifiers: Orphanet 84, MedGen C0015625, MeSH D005199, MONDO:0019391.

Submissions (2):

Labcorp Genetics (formerly Invitae), Labcorp
Classification: Uncertain significance for Fanconi anemia. Last evaluated: 2024-11-03. Review status: criteria provided, single submitter. Criteria: Invitae Variant Classification Sherloc (09022015). Collection method: clinical testing. Allele origin: germline.
Comment: This variant, c.6071_6076del, results in the deletion of 2 amino acid(s) of the FANCM protein (p.Arg2024_Tyr2025del), but otherwise preserves the integrity of the reading frame. This variant is present in population databases (rs773456844, gnomAD 0.02%). This variant has not been reported in the literature in individuals affected with FANCM-related conditions. ClinVar contains an entry for this variant (Variation ID: 1476547). Experimental studies and prediction algorithms are not available or were not evaluated, and the functional significance of this variant is currently unknown. In summary, the available evidence is currently insufficient to determine the role of this variant in disease. Therefore, it has been classified as a Variant of Uncertain Significance.

Quest Diagnostics Nichols Institute San Juan Capistrano
Classification: Uncertain significance. Last evaluated: 2023-06-23. Review status: criteria provided, single submitter. Criteria: Quest Diagnostics criteria. Collection method: clinical testing. Allele origin: unknown.
Comment: This variant has not been reported in the published literature. The frequency of this variant in the general population, 0.00016 (3/18390 chromosomes (Genome Aggregation Database)), is uninformative in the assessment of its pathogenicity. Based on the available information, we are unable to determine the clinical significance of this variant.